The following is an entry in ClinVar:

NM_000051.4(ATM):c.8130G>A (p.Lys2710=)

Genes: ATM (ATM serine/threonine kinase; plus strand), C11orf65 (chromosome 11 open reading frame 65; minus strand). Cytogenetic location: 11q22.3.
Variant type: single nucleotide variant.
Coding change: c.8130G>A on transcript NM_000051.4 (MANE Select); coding-DNA position 8130, G replaced by A.
Protein change: p.Lys2710=; no amino-acid change (lysine 2710 retained).
Molecular consequence: synonymous variant. On other transcripts: intron variant (2).
Genome position (GRCh38, 1-based): chr11:108,335,088, G>A. VCF-style: chr11-108335088-G-A. GRCh37 (hg19) VCF-style: chr11-108205815-G-A.
Other names: c.8130G>A, p.Lys2710= (NM_001351834.2); c.641-26017C>T (NM_001330368.2); c.*38+132C>T (NM_001351110.2).
Identifiers: ClinVar variation 1762136 (VCV001762136.6), dbSNP rs1320299978, ClinGen allele CA476677754.

ClinVar aggregate classification (germline): Benign/Likely benign. Review status: criteria provided, multiple submitters, no conflicts (2 of 4 stars). 3 submissions from 3 submitters: Benign (1); Likely benign (2). Last evaluated 2024-06-18.

Conditions:
Familial cancer of breast. Also called: Hereditary breast cancer; hereditary breast carcinoma; BREAST CANCER, FAMILIAL. Identifiers: Orphanet 227535, MedGen C0346153, MONDO:0016419, OMIM 114480. Disease mechanism: loss of function.
Hereditary cancer-predisposing syndrome. Also called: Hereditary neoplastic syndrome; Neoplastic Syndromes, Hereditary; Tumor predisposition; Hereditary Cancer Syndrome. Identifiers: Orphanet 140162, MedGen C0027672, MeSH D009386, MONDO:0015356.
Ataxia-telangiectasia syndrome (AT). Also called: Ataxia telangiectasia (A-T); LOUIS-BAR SYNDROME; Cerebello-oculocutaneous telangiectasia; Immunodeficiency with ataxia telangiectasia; Ataxia-telangiectasia, complementation group D; AT, COMPLEMENTATION GROUP C. Identifiers: Orphanet 100, MedGen C0004135, MONDO:0008840, OMIM 208900.

Allele frequency attached by ClinVar (database versions not stated): gnomAD exomes below 0.00001; TOPMed below 0.00001.
gnomAD v4.1: 1 of 1,614,060 alleles (0.000062%); highest among the groups gnomAD compares: Admixed American, 0.0017%; no homozygotes.

Submissions (3):

Myriad Genetics, Inc.
Classification: Benign for Familial cancer of breast. Last evaluated: 2024-06-18. Review status: criteria provided, single submitter. Criteria: Myriad Autosomal Dominant, Autosomal Recessive and X-Linked Classification Criteria (2023). Collection method: clinical testing. Allele origin: unknown.
Comment: This variant is considered benign. This variant is a silent/synonymous amino acid change and it is not expected to impact splicing.

Labcorp Genetics (formerly Invitae), Labcorp
Classification: Likely benign for Ataxia-telangiectasia syndrome. Last evaluated: 2024-01-10. Review status: criteria provided, single submitter. Criteria: Invitae Variant Classification Sherloc (09022015). Collection method: clinical testing. Allele origin: germline.

Ambry Genetics
Classification: Likely benign for Hereditary cancer-predisposing syndrome. Last evaluated: 2022-06-06. Review status: criteria provided, single submitter. Criteria: Ambry Variant Classification Scheme 2023. Collection method: clinical testing. Allele origin: germline.